The following is an entry in ClinVar:

ClinVar aggregate classification (germline): Uncertain significance. Review status: criteria provided, multiple submitters, no conflicts (2 of 4 stars). 2 submissions from 2 submitters: Uncertain significance (2). Last evaluated 2023-12-20.

Conditions:
Spastic paraplegia. Identifiers: MedGen C0037772, HP:0001258.
Inborn genetic diseases. Identifiers: MedGen C0950123, MeSH D030342.

Submissions (2):

Ambry Genetics
Classification: Uncertain significance for Inborn genetic diseases. Last evaluated: 2023-12-20. Review status: criteria provided, single submitter. Criteria: Ambry Variant Classification Scheme 2023. Collection method: clinical testing. Allele origin: germline.
Comment: The c.1324T>C (p.C442R) alteration is located in exon 10 (coding exon 9) of the HSPD1 gene. This alteration results from a T to C substitution at nucleotide position 1324, causing the cysteine (C) at amino acid position 442 to be replaced by an arginine (R). This variant was not reported in population-based cohorts in the Genome Aggregation Database (gnomAD). This amino acid position is highly conserved in available vertebrate species. This alteration is predicted to be deleterious by in silico analysis. Based on insufficient or conflicting evidence, the clinical significance of this alteration remains unclear.

Labcorp Genetics (formerly Invitae), Labcorp
Classification: Uncertain significance for Spastic paraplegia. Last evaluated: 2017-09-16. Review status: criteria provided, single submitter. Criteria: Invitae Variant Classification Sherloc (09022015). Collection method: clinical testing. Allele origin: germline.
Comment: This variant has not been reported in the literature in individuals with HSPD1-related disease. This variant is not present in population databases (ExAC no frequency). In summary, the available evidence is currently insufficient to determine the role of this variant in disease. Therefore, it has been classified as a Variant of Uncertain Significance. Algorithms developed to predict the effect of missense changes on protein structure and function do not agree on the potential impact of this missense change (SIFT: "Tolerated"; PolyPhen-2: "Possibly Damaging"; Align-GVGD: "Class C0"). This sequence change replaces cysteine with arginine at codon 442 of the HSPD1 protein (p.Cys442Arg). The cysteine residue is moderately conserved and there is a large physicochemical difference between cysteine and arginine.

NM_002156.5(HSPD1):c.1324T>C (p.Cys442Arg)

Gene: HSPD1 (heat shock protein family D (Hsp60) member 1; minus strand). Cytogenetic location: 2q33.1.
Variant type: single nucleotide variant.
Coding change: c.1324T>C on transcript NM_002156.5 (MANE Select); coding-DNA position 1324, T replaced by C.
Protein change: p.Cys442Arg; replaces cysteine 442 with arginine.
Molecular consequence: missense variant.
Genome position (GRCh38, 1-based): chr2:197,488,383, A>G on the plus strand (T>C on the coding strand, the complement: HSPD1 is on the minus strand). VCF-style: chr2-197488383-A-G. GRCh37 (hg19) VCF-style: chr2-198353107-A-G.
Other names: c.1324T>C, p.Cys442Arg (NM_199440.2); short protein forms C442R.
Identifiers: ClinVar variation 527986 (VCV000527986.9), dbSNP rs1553577750, ClinGen allele CA350198754.